The following is an entry in ClinVar:

NM_002913.5(RFC1):c.2064T>C (p.Ile688=)

Gene: RFC1 (replication factor C subunit 1; minus strand). Cytogenetic location: 4p14.
Variant type: single nucleotide variant.
Coding change: c.2064T>C on transcript NM_002913.5 (MANE Select); coding-DNA position 2064, T replaced by C.
Protein change: p.Ile688=; no amino-acid change (isoleucine 688 retained).
Molecular consequence: synonymous variant.
Genome position (GRCh38, 1-based): chr4:39,304,860, A>G on the plus strand (T>C on the coding strand, the complement: RFC1 is on the minus strand). VCF-style: chr4-39304860-A-G. GRCh37 (hg19) VCF-style: chr4-39306480-A-G.
Other names: c.2067T>C, p.Ile689= (NM_001204747.2); c.1986T>C, p.Ile662= (NM_001363495.2); c.1989T>C, p.Ile663= (NM_001363496.2).
Identifiers: ClinVar variation 3052431 (VCV003052431.3), dbSNP rs76241377, ClinGen allele CA2892953.

ClinVar aggregate classification (germline): Likely benign. Review status: criteria provided, single submitter (1 of 4 stars). 2 submissions from 2 submitters: Likely benign (1). 1 of the submissions does not count toward it. Last evaluated 2023-12-07.

Conditions:
RFC1-related disorder. Also called: RFC1-Related Disorders; RFC1-related condition. Identifiers: MedGen CN382339.

Allele frequency attached by ClinVar (database versions not stated): gnomAD exomes 0.00022; ExAC 0.00098; 1000 Genomes Project 0.00100; 1000 Genomes Project 30x 0.00125; gnomAD 0.00250; TOPMed 0.00311; ESP Exome Variant Server 0.00323.
gnomAD v4.1: 700 of 1,613,760 alleles (0.043%); highest among the groups gnomAD compares: African/African-American, 0.85%; 5 homozygotes.

Submissions (2):

Blueprint Genetics
Classification: Likely benign. Last evaluated: 2023-12-07. Review status: criteria provided, single submitter. Criteria: ACMG Guidelines, 2015. Collection method: clinical testing. Allele origin: germline.

PreventionGenetics, part of Exact Sciences
Classification: Benign for RFC1-related condition. Last evaluated: 2020-01-06. Review status: no assertion criteria provided. Collection method: clinical testing. Allele origin: germline. Not counted in ClinVar's aggregate classification.
Comment: This variant is classified as benign based on ACMG/AMP sequence variant interpretation guidelines (Richards et al. 2015 PMID: 25741868, with internal and published modifications).